The following is an entry in ClinVar:

NM_152866.3(MS4A1):c.739G>A (p.Val247Ile)

Gene: MS4A1 (membrane spanning 4-domains A1; plus strand). Cytogenetic location: 11q12.2.
Variant type: single nucleotide variant.
Coding change: c.739G>A on transcript NM_152866.3 (MANE Select); coding-DNA position 739, G replaced by A.
Protein change: p.Val247Ile; replaces valine 247 with isoleucine.
Molecular consequence: missense variant.
Genome position (GRCh38, 1-based): chr11:60,468,313, G>A. VCF-style: chr11-60468313-G-A. GRCh37 (hg19) VCF-style: chr11-60235786-G-A.
Other names: c.739G>A, p.Val247Ile (NM_021950.4, NM_152867.2); short protein forms V247I.
Identifiers: ClinVar variation 2893233 (VCV002893233.3), dbSNP rs747237808, ClinGen allele CA6025083.

ClinVar aggregate classification (germline): Uncertain significance (1 of 4 stars; one submission).

Allele frequency attached by ClinVar (database versions not stated): TOPMed 0.00002; ExAC 0.00001; gnomAD 0.00001.

Submission:

Labcorp Genetics (formerly Invitae), Labcorp
Classification: Uncertain significance. Last evaluated: 2025-03-10. Review status: criteria provided, single submitter. Criteria: Invitae Variant Classification Sherloc (09022015). Collection method: clinical testing. Allele origin: germline.
Comment: This sequence change replaces valine, which is neutral and non-polar, with isoleucine, which is neutral and non-polar, at codon 247 of the MS4A1 protein (p.Val247Ile). This variant is present in population databases (rs747237808, gnomAD 0.004%). This variant has not been reported in the literature in individuals affected with MS4A1-related conditions. ClinVar contains an entry for this variant (Variation ID: 2893233). An algorithm developed to predict the effect of missense changes on protein structure and function outputs the following: PolyPhen-2: "Benign". The isoleucine amino acid residue is found in multiple mammalian species, which suggests that this missense change does not adversely affect protein function. In summary, the available evidence is currently insufficient to determine the role of this variant in disease. Therefore, it has been classified as a Variant of Uncertain Significance.